The following is an entry in ClinVar:

ClinVar aggregate classification (germline): Uncertain significance (1 of 4 stars; one submission).

gnomAD v4.1: 3 of 1,613,640 alleles (0.00019%); highest among the groups gnomAD compares: Admixed American, 0.0033%; no homozygotes.

Submission:

Labcorp Genetics (formerly Invitae), Labcorp
Classification: Uncertain significance. Last evaluated: 2024-11-18. Review status: criteria provided, single submitter. Criteria: Invitae Variant Classification Sherloc (09022015). Collection method: clinical testing. Allele origin: germline.
Comment: This sequence change replaces alanine, which is neutral and non-polar, with threonine, which is neutral and polar, at codon 649 of the ZNF687 protein (p.Ala649Thr). This variant is present in population databases (no rsID available, gnomAD 0.003%). This variant has not been reported in the literature in individuals affected with ZNF687-related conditions. An algorithm developed to predict the effect of missense changes on protein structure and function (PolyPhen-2) suggests that this variant is likely to be tolerated. In summary, the available evidence is currently insufficient to determine the role of this variant in disease. Therefore, it has been classified as a Variant of Uncertain Significance.

NM_020832.3(ZNF687):c.1945G>A (p.Ala649Thr)

Gene: ZNF687 (zinc finger protein 687; plus strand). Cytogenetic location: 1q21.3.
Variant type: single nucleotide variant.
Coding change: c.1945G>A on transcript NM_020832.3 (MANE Select); coding-DNA position 1945, G replaced by A.
Protein change: p.Ala649Thr; replaces alanine 649 with threonine.
Molecular consequence: missense variant.
Genome position (GRCh38, 1-based): chr1:151,288,236, G>A. VCF-style: chr1-151288236-G-A. GRCh37 (hg19) VCF-style: chr1-151260712-G-A.
Other names: c.1945G>A, p.Ala649Thr (NM_001304763.2, NM_001304764.2); short protein forms A649T.
Identifiers: ClinVar variation 3606266 (VCV003606266.2).